The following is an entry in ClinVar:

ClinVar aggregate classification (germline): Uncertain significance (1 of 4 stars; one submission).

Submission:

CeGaT Center for Human Genetics Tuebingen
Classification: Uncertain significance. Last evaluated: 2023-11-01. Review status: criteria provided, single submitter. Criteria: CeGaT Center For Human Genetics Tuebingen Variant Classification Criteria Version 2. Collection method: clinical testing. Allele origin: germline. Affected: yes. Observed: 1 variant allele.
Comment: RPL3: PM2, PP3

NM_000967.4(RPL3):c.850-18_850-6del

Gene: RPL3 (ribosomal protein L3; minus strand). Cytogenetic location: 22q13.1.
Variant type: Deletion.
Coding change: c.850-18_850-6del on transcript NM_000967.4 (MANE Select); 18 bases into the intron before coding-DNA position 850 through 6 bases into the intron before coding-DNA position 850, 13 bases deleted (CCCTTCTTGTTCA).
Molecular consequence: intron variant.
Genome position (GRCh38, 1-based): chr22:39,314,214-39,314,226, TGAACAAGAAGGG deleted on the plus strand (CCCTTCTTGTTCA on the coding strand, the reverse complement: RPL3 is on the minus strand); deleting any 13 consecutive bases within chr22:39,314,214-39,314,228 gives the same sequence; the c. name uses the placement nearest the transcript's 3' end. VCF-style (leftmost placement, unchanged base first): chr22-39314213-ATGAACAAGAAGGG-A. GRCh37 (hg19) VCF-style: chr22-39710218-ATGAACAAGAAGGG-A.
Other names: c.703-18_703-6del (NM_001033853.2).
Identifiers: ClinVar variation 2672909 (VCV002672909.23), dbSNP rs2517814639, ClinGen allele CA2695200120.